The following is an entry in ClinVar:

NM_001080517.3(SETD5):c.2860_2862dup (p.Ser954dup)

Gene: SETD5 (SET domain containing 5; plus strand). Cytogenetic location: 3p25.3.
Variant type: Duplication.
Coding change: c.2860_2862dup on transcript NM_001080517.3 (MANE Select); coding-DNA positions 2860 to 2862, 3 bases duplicated (TCT; older notation c.2860_2862dupTCT).
Protein change: p.Ser954dup; duplicates serine 954.
Molecular consequence: inframe insertion.
Genome position (GRCh38, 1-based): chr3:9,470,594-9,470,596, TCT duplicated; duplicating any 3 consecutive bases within chr3:9,470,592-9,470,596 gives the same sequence; the c. name uses the placement nearest the transcript's 3' end. VCF-style (leftmost placement, unchanged base first): chr3-9470591-A-ACTT. GRCh37 (hg19) VCF-style: chr3-9512275-A-ACTT.
Other names: c.2566_2568dup, p.Ser856dup (NM_001292043.2, NM_001349451.2).
Identifiers: ClinVar variation 1207940 (VCV001207940.3), dbSNP rs2125578097, ClinGen allele CA2499216995.

ClinVar aggregate classification (germline): Uncertain significance (1 of 4 stars; one submission).

Submission:

GeneDx
Classification: Uncertain significance. Last evaluated: 2021-06-25. Review status: criteria provided, single submitter. Criteria: GeneDx Variant Classification Process June 2021. Collection method: clinical testing. Allele origin: germline. Affected: yes.
Comment: Has not been previously published as pathogenic or benign to our knowledge; In-frame duplication of 1 amino acid in a non-repeat region; Not observed at significant frequency in large population cohorts (Lek et al., 2016); This variant is associated with the following publications: (PMID: 27535533)